The following is an entry in ClinVar:

NM_024009.3(GJB3):c.667C>A (p.Pro223Thr)

Gene: GJB3 (gap junction protein beta 3; plus strand). Cytogenetic location: 1p34.3.
Variant type: single nucleotide variant.
Coding change: c.667C>A on transcript NM_024009.3 (MANE Select); coding-DNA position 667, C replaced by A.
Protein change: p.Pro223Thr; replaces proline 223 with threonine.
Molecular consequence: missense variant.
Genome position (GRCh38, 1-based): chr1:34,785,429, C>A. VCF-style: chr1-34785429-C-A. GRCh37 (hg19) VCF-style: chr1-35251030-C-A.
Other names: c.667C>A, p.Pro223Thr (NM_001005752.2); c.667C>A (NM_024009.2); short protein forms P223T.
Identifiers: ClinVar variation 1385695 (VCV001385695.12), dbSNP rs373815705, ClinGen allele CA754881.
Genomic context (GRCh38, chr1:34,785,429, plus strand): 5'-ATCTGTGAGCTCTGCTACCTCATCTGCCACAGGGTCCTGCGAGGCCTGCACAAGGACAAG[C>A]CTCGAGGGGGTTGCAGCCCCTCGTCCTCCGCCAGCCGAGCTTCCACCTGCCGCTGCCACC-3'
Protein context (NP_076872.1, residues 213-233): RVLRGLHKDK[Pro223Thr]RGGCSPSSSA

ClinVar aggregate classification (germline): Conflicting classifications of pathogenicity. Review status: criteria provided, conflicting classifications (1 of 4 stars). 5 submissions from 5 submitters: Pathogenic (1); Uncertain significance (3). 1 of the submissions does not count toward it. Last evaluated 2024-10-15.

Conditions:
GJB3-related disorder. Also called: GJB3-related condition.
Autosomal recessive nonsyndromic hearing loss 1A (DFNB1A). Also called: Nonsyndromic Hearing Loss and Deafness, DFNB1; GJB2-Related Autosomal Recessive Nonsyndromic Hearing Loss; Connexin 26 deafness; Deafness nonsyndromic, Connexin 26 linked; GJB6-Related DFNB 1 Nonsyndromic Hearing Loss and Deafness; Deafness, autosomal recessive 1A. Identifiers: Orphanet 90636, MedGen C2673759, MONDO:0009076, OMIM 220290.

Allele frequency attached by ClinVar (database versions not stated): TOPMed 0.00012; gnomAD 0.00017 and 0.00019; gnomAD exomes 0.00028; ESP Exome Variant Server 0.00031; ExAC 0.00037.

Submissions (5):

Women's Health and Genetics/Laboratory Corporation of America, LabCorp
Classification: Uncertain significance. Last evaluated: 2024-10-15. Review status: criteria provided, single submitter. Criteria: LabCorp Variant Classification Summary - May 2015. Collection method: clinical testing. Allele origin: germline.
Comment: Variant summary: GJB3 c.667C>A (p.Pro223Thr) results in a non-conservative amino acid change in the encoded protein sequence. Three of five in-silico tools predict a benign effect of the variant on protein function. The variant allele was found at a frequency of 0.00028 in 250970 control chromosomes. This frequency is not significantly higher than estimated for a pathogenic variant in GJB3 causing GJB3-Related Disorders, allowing no conclusion about variant significance. c.667C>A has been reported in the literature as heterozygous genotype in two individuals in a family affected with GJB3-Related Hearing Loss and the second allele variant was undetected (Uyguner_2003). These report(s) do not provide unequivocal conclusions about association of the variant with GJB3-Related Disorders. To our knowledge, no experimental evidence demonstrating an impact on protein function has been reported. The following publication have been ascertained in the context of this evaluation (PMID: 12791041). ClinVar contains an entry for this variant (Variation ID: 1385695). Based on the evidence outlined above, the variant was classified as uncertain significance.

Laboratory of Prof. Karen Avraham, Tel Aviv University
Classification: Pathogenic for Autosomal recessive nonsyndromic hearing loss 1A. Last evaluated: 2024-05-27. Review status: criteria provided, single submitter. Criteria: ACMG Guidelines, 2015. Collection method: research. Allele origin: germline. Affected: yes. Observed: 1 variant allele.
Comment: Pathogenic according to Deafness Variation Database and ClinVar based on PMID: 12791041

DFNB1A; high-tone normal-severe HL

Labcorp Genetics (formerly Invitae), Labcorp
Classification: Uncertain significance. Last evaluated: 2024-05-22. Review status: criteria provided, single submitter. Criteria: Invitae Variant Classification Sherloc (09022015). Collection method: clinical testing. Allele origin: germline.
Comment: This sequence change replaces proline, which is neutral and non-polar, with threonine, which is neutral and polar, at codon 223 of the GJB3 protein (p.Pro223Thr). This variant is present in population databases (rs373815705, gnomAD 0.06%). This missense change has been observed in individual(s) with deafness (PMID: 12791041). ClinVar contains an entry for this variant (Variation ID: 1385695). Advanced modeling of protein sequence and biophysical properties (such as structural, functional, and spatial information, amino acid conservation, physicochemical variation, residue mobility, and thermodynamic stability) performed at Invitae indicates that this missense variant is not expected to disrupt GJB3 protein function with a negative predictive value of 80%. In summary, the available evidence is currently insufficient to determine the role of this variant in disease. Therefore, it has been classified as a Variant of Uncertain Significance.

Breakthrough Genomics
Classification: Uncertain significance. Review status: criteria provided, single submitter. Criteria: ACMG Guidelines, 2015. Collection method: not provided. Allele origin: germline. Inheritance: Autosomal recessive inheritance. Affected: yes.

PreventionGenetics, part of Exact Sciences
Classification: Uncertain significance for GJB3-related condition. Last evaluated: 2024-07-24. Review status: no assertion criteria provided. Collection method: clinical testing. Allele origin: germline. Not counted in ClinVar's aggregate classification.
Comment: The GJB3 c.667C>A variant is predicted to result in the amino acid substitution p.Pro223Thr. This variant was reported together with second synonymous variant in GJB3 in two siblings with non-syndromic hearing loss (Uyguner et al 2003. PubMed ID: 12791041). This variant is reported in 0.062% of alleles in individuals of South Asian descent in gnomAD. Although we suspect that this variant may be benign, at this time, the clinical significance of this variant is uncertain due to the absence of conclusive functional and genetic evidence.

Literature cited by the submitters: PubMed 12791041 (cited by Women's Health and Genetics/Laboratory Corporation of America, LabCorp and Labcorp Genetics (formerly Invitae), Labcorp).